The following is an entry in ClinVar:

ClinVar aggregate classification (germline): Benign (1 of 4 stars; one submission).

Allele frequency attached by ClinVar (database versions not stated): ExAC 0.00002; gnomAD exomes 0.00002; gnomAD 0.00010 and 0.00011; 1000 Genomes Project 0.36741.

Submission:

Laboratory for Molecular Medicine, Mass General Brigham Personalized Medicine
Classification: Benign. Last evaluated: 2016-04-25. Review status: criteria provided, single submitter. Criteria: LMM Criteria. Collection method: clinical testing. Allele origin: germline.
Comment: Variant identified in a genome or exome case(s) and assessed due to predicted null impact of the variant or pathogenic assertions in the literature or databases. Disclaimer: This variant has not undergone full assessment. The following are preliminary notes: Common in our data set, gene weakly associated with autoimmune syndrome

NM_001971.6(CELA1):c.7_8del (p.Val3fs)

Gene: CELA1 (chymotrypsin like elastase 1; minus strand). Cytogenetic location: 12q13.13.
Variant type: Deletion.
Coding change: c.7_8del on transcript NM_001971.6 (MANE Select); coding-DNA positions 7 to 8, 2 bases deleted (GT; older notation c.7_8delGT).
Protein change: p.Val3fs; shifts the reading frame from valine 3.
Molecular consequence: frameshift variant.
Genome position (GRCh38, 1-based): chr12:51,346,631-51,346,632, AC deleted on the plus strand (GT on the coding strand, the reverse complement: CELA1 is on the minus strand). VCF-style (leftmost placement, unchanged base first): chr12-51346630-GAC-G. GRCh37 (hg19) VCF-style: chr12-51740414-GAC-G.
Other names: short protein forms V3fs.
Identifiers: ClinVar variation 402531 (VCV000402531.4), dbSNP rs1491233894, ClinGen allele CA6569563.